The following is an entry in ClinVar:

ClinVar aggregate classification (germline): Uncertain significance. Review status: criteria provided, multiple submitters, no conflicts (2 of 4 stars). 2 submissions from 2 submitters: Uncertain significance (2). Last evaluated 2025-08-19.

Conditions:
Gastrointestinal stromal tumor. Also called: Gastrointestinal stroma tumor; Gastrointestinal stromal tumor, somatic. Identifiers: Orphanet 44890, MedGen C0238198, MeSH D046152, MONDO:0011719, OMIM 606764, HP:0100723.
Hereditary cancer-predisposing syndrome. Also called: Tumor predisposition; Hereditary Cancer Syndrome; Neoplastic Syndromes, Hereditary; Hereditary neoplastic syndrome. Identifiers: Orphanet 140162, MedGen C0027672, MeSH D009386, MONDO:0015356.

Submissions (2):

Ambry Genetics
Classification: Uncertain significance for Hereditary cancer-predisposing syndrome. Last evaluated: 2025-08-19. Review status: criteria provided, single submitter. Criteria: Ambry Variant Classification Scheme 2023. Collection method: clinical testing. Allele origin: germline.
Comment: The p.R684S variant (also known as c.2052A>T), located in coding exon 14 of the KIT gene, results from an A to T substitution at nucleotide position 2052. The arginine at codon 684 is replaced by serine, an amino acid with dissimilar properties. This amino acid position is conserved. In addition, the in silico prediction for this alteration is inconclusive. Based on the available evidence, the clinical significance of this variant remains unclear.

Labcorp Genetics (formerly Invitae), Labcorp
Classification: Uncertain significance for Gastrointestinal stromal tumor. Last evaluated: 2021-11-05. Review status: criteria provided, single submitter. Criteria: Invitae Variant Classification Sherloc (09022015). Collection method: clinical testing. Allele origin: germline.
Comment: This sequence change replaces arginine, which is basic and polar, with serine, which is neutral and polar, at codon 684 of the KIT protein (p.Arg684Ser). This variant is not present in population databases (gnomAD no frequency). This variant has not been reported in the literature in individuals affected with KIT-related conditions. Algorithms developed to predict the effect of missense changes on protein structure and function are either unavailable or do not agree on the potential impact of this missense change (SIFT: "Deleterious"; PolyPhen-2: "Benign"; Align-GVGD: "Class C65"). Algorithms developed to predict the effect of sequence changes on RNA splicing suggest that this variant may create or strengthen a splice site. In summary, the available evidence is currently insufficient to determine the role of this variant in disease. Therefore, it has been classified as a Variant of Uncertain Significance.

NM_000222.3(KIT):c.2052A>T (p.Arg684Ser)

Gene: KIT (KIT proto-oncogene, receptor tyrosine kinase; plus strand). Cytogenetic location: 4q12.
Variant type: single nucleotide variant.
Coding change: c.2052A>T on transcript NM_000222.3 (MANE Select); coding-DNA position 2052, A replaced by T.
Protein change: p.Arg684Ser; replaces arginine 684 with serine.
Molecular consequence: missense variant.
Genome position (GRCh38, 1-based): chr4:54,729,396, A>T. VCF-style: chr4-54729396-A-T. GRCh37 (hg19) VCF-style: chr4-55595562-A-T.
Other names: c.2040A>T, p.Arg680Ser (NM_001093772.2, NM_001385286.1); c.2055A>T, p.Arg685Ser (NM_001385284.1, NM_001385290.1); c.2052A>T, p.Arg684Ser (NM_001385285.1); c.2043A>T, p.Arg681Ser (NM_001385288.1, NM_001385292.1); c.2052A>T (NM_000222.2); short protein forms R680S, R681S, R685S, R684S.
Identifiers: ClinVar variation 1345710 (VCV001345710.7), dbSNP rs1553892213, ClinGen allele CA356909506.